The following is an entry in ClinVar:

ClinVar aggregate classification (germline): Uncertain significance (1 of 4 stars; one submission).

Conditions:
Cohen syndrome (COH1). Also called: PEPPER SYNDROME; Cutis verticis gyrata, retinitis pigmentosa, and sensorineural deafness. Identifiers: Orphanet 193, MedGen C0265223, MONDO:0008999, OMIM 216550.

gnomAD v4.1: 1 of 1,613,692 alleles (0.000062%); highest among the groups gnomAD compares: Non-Finnish European, 0.000085%; no homozygotes.

Submission:

Labcorp Genetics (formerly Invitae), Labcorp
Classification: Uncertain significance for Cohen syndrome. Last evaluated: 2025-09-29. Review status: criteria provided, single submitter. Criteria: Invitae Variant Classification Sherloc (09022015). Collection method: clinical testing. Allele origin: germline.
Comment: This sequence change replaces leucine, which is neutral and non-polar, with phenylalanine, which is neutral and non-polar, at codon 1158 of the VPS13B protein (p.Leu1158Phe). This variant is not present in population databases (gnomAD no frequency). This variant has not been reported in the literature in individuals affected with VPS13B-related conditions. Invitae Evidence Modeling of protein sequence and biophysical properties (such as structural, functional, and spatial information, amino acid conservation, physicochemical variation, residue mobility, and thermodynamic stability) indicates that this missense variant is expected to disrupt VPS13B protein function with a positive predictive value of 80%. In summary, the available evidence is currently insufficient to determine the role of this variant in disease. Therefore, it has been classified as a Variant of Uncertain Significance.

NM_152564.5(VPS13B):c.3474G>T (p.Leu1158Phe)

Gene: VPS13B (vacuolar protein sorting 13 homolog B; plus strand). Cytogenetic location: 8q22.2.
Variant type: single nucleotide variant.
Coding change: c.3474G>T on transcript NM_152564.5 (MANE Select); coding-DNA position 3474, G replaced by T.
Protein change: p.Leu1158Phe; replaces leucine 1158 with phenylalanine.
Molecular consequence: missense variant.
Genome position (GRCh38, 1-based): chr8:99,467,442, G>T. VCF-style: chr8-99467442-G-T. GRCh37 (hg19) VCF-style: chr8-100479670-G-T.
Other names: c.3474G>T, p.Leu1158Phe (NM_017890.5); short protein forms L1158F.
Identifiers: ClinVar variation 4742982 (VCV004742982.1).